The following is an entry in ClinVar:

NM_004859.4(CLTC):c.4181T>C (p.Ile1394Thr)

Genes: CLTC (clathrin heavy chain; plus strand), LOC126862609 (CDK7 strongly-dependent group 2 enhancer GRCh37_chr17:57760547-57761746; plus strand). Cytogenetic location: 17q23.1.
Variant type: single nucleotide variant.
Coding change: c.4181T>C on transcript NM_004859.4 (MANE Select); coding-DNA position 4181, T replaced by C.
Protein change: p.Ile1394Thr; replaces isoleucine 1394 with threonine.
Molecular consequence: missense variant.
Genome position (GRCh38, 1-based): chr17:59,683,526, T>C. VCF-style: chr17-59683526-T-C. GRCh37 (hg19) VCF-style: chr17-57760887-T-C.
Other names: c.4193T>C, p.Ile1398Thr (NM_001288653.2); short protein forms I1394T, I1398T.
Identifiers: ClinVar variation 2192938 (VCV002192938.4), dbSNP rs1458262195, ClinGen allele CA400420859.

ClinVar aggregate classification (germline): Uncertain significance (1 of 4 stars; one submission).

Allele frequency attached by ClinVar (database versions not stated): gnomAD exomes below 0.00001; TOPMed below 0.00001.
gnomAD v4.1: 1 of 1,613,820 alleles (0.000062%); highest among the groups gnomAD compares: Non-Finnish European, 0.000085%; no homozygotes.

Submission:

Labcorp Genetics (formerly Invitae), Labcorp
Classification: Uncertain significance. Last evaluated: 2024-08-05. Review status: criteria provided, single submitter. Criteria: Invitae Variant Classification Sherloc (09022015). Collection method: clinical testing. Allele origin: germline.
Comment: This sequence change replaces isoleucine, which is neutral and non-polar, with threonine, which is neutral and polar, at codon 1398 of the CLTC protein (p.Ile1398Thr). This variant is not present in population databases (gnomAD no frequency). This variant has not been reported in the literature in individuals affected with CLTC-related conditions. ClinVar contains an entry for this variant (Variation ID: 2192938). Advanced modeling of protein sequence and biophysical properties (such as structural, functional, and spatial information, amino acid conservation, physicochemical variation, residue mobility, and thermodynamic stability) performed at Invitae indicates that this missense variant is not expected to disrupt CLTC protein function with a negative predictive value of 80%. In summary, the available evidence is currently insufficient to determine the role of this variant in disease. Therefore, it has been classified as a Variant of Uncertain Significance.